The following is an entry in ClinVar:

ClinVar aggregate classification (germline): Likely benign. Review status: criteria provided, multiple submitters, no conflicts (2 of 4 stars). 5 submissions from 5 submitters: Likely benign (4). 1 of the submissions does not count toward it. Last evaluated 2025-11-11.

Conditions:
NARS2-related disorder. Also called: NARS2-related condition.

Allele frequency attached by ClinVar (database versions not stated): gnomAD exomes 0.00011 and 0.00037; ExAC 0.00050; 1000 Genomes Project 30x 0.00094; 1000 Genomes Project 0.00100; gnomAD 0.00140 and 0.00153; ESP Exome Variant Server 0.00146; TOPMed 0.00164.
gnomAD v4.1: 392 of 1,613,204 alleles (0.024%); highest among the groups gnomAD compares: African/African-American, 0.45%; 1 homozygote.

Submissions (5):

Labcorp Genetics (formerly Invitae), Labcorp
Classification: Likely benign. Last evaluated: 2025-11-11. Review status: criteria provided, single submitter. Criteria: Invitae Variant Classification Sherloc (09022015). Collection method: clinical testing. Allele origin: germline.

Blueprint Genetics
Classification: Likely benign. Last evaluated: 2023-02-14. Review status: criteria provided, single submitter. Criteria: ACMG Guidelines, 2015. Collection method: clinical testing. Allele origin: germline.

CeGaT Center for Human Genetics Tuebingen
Classification: Likely benign. Last evaluated: 2022-10-01. Review status: criteria provided, single submitter. Criteria: CeGaT Center For Human Genetics Tuebingen Variant Classification Criteria Version 2. Collection method: clinical testing. Allele origin: germline. Affected: yes. Observed: 1 variant allele.
Comment: NARS2: BS1

GeneDx
Classification: Likely benign. Last evaluated: 2021-02-09. Review status: criteria provided, single submitter. Criteria: GeneDx Variant Classification Process June 2021. Collection method: clinical testing. Allele origin: germline. Affected: yes.

PreventionGenetics, part of Exact Sciences
Classification: Likely benign for NARS2-related condition. Last evaluated: 2024-04-04. Review status: no assertion criteria provided. Collection method: clinical testing. Allele origin: germline. Not counted in ClinVar's aggregate classification.
Comment: This variant is classified as likely benign based on ACMG/AMP sequence variant interpretation guidelines (Richards et al. 2015 PMID: 25741868, with internal and published modifications).

NM_024678.6(NARS2):c.25C>T (p.Arg9Trp)

Gene: NARS2 (asparaginyl-tRNA synthetase 2, mitochondrial; minus strand). Cytogenetic location: 11q14.1.
Variant type: single nucleotide variant.
Coding change: c.25C>T on transcript NM_024678.6 (MANE Select); coding-DNA position 25, C replaced by T.
Protein change: p.Arg9Trp; replaces arginine 9 with tryptophan.
Molecular consequence: missense variant. On other transcripts: intron variant (1).
Genome position (GRCh38, 1-based): chr11:78,574,464, G>A on the plus strand (C>T on the coding strand, the complement: NARS2 is on the minus strand). VCF-style: chr11-78574464-G-A. GRCh37 (hg19) VCF-style: chr11-78285509-G-A.
Other names: c.-541+365C>T (NM_001243251.2); short protein forms R9W.
Identifiers: ClinVar variation 727359 (VCV000727359.42), dbSNP rs141907023, ClinGen allele CA6206005.